The following is an entry in ClinVar:

NM_001367873.1(SOX6):c.488A>C (p.Glu163Ala)

Gene: SOX6 (SRY-box transcription factor 6; minus strand). Cytogenetic location: 11p15.2.
Variant type: single nucleotide variant.
Coding change: c.488A>C on transcript NM_001367873.1 (MANE Select); coding-DNA position 488, A replaced by C.
Protein change: p.Glu163Ala; replaces glutamic acid 163 with alanine.
Molecular consequence: missense variant.
Genome position (GRCh38, 1-based): chr11:16,234,629, T>G on the plus strand (A>C on the coding strand, the complement: SOX6 is on the minus strand). VCF-style: chr11-16234629-T-G. GRCh37 (hg19) VCF-style: chr11-16256175-T-G.
Other names: c.488A>C, p.Glu163Ala (NM_001145811.2, NM_001145819.2, NM_001367872.1 and 2 more transcripts); short protein forms E163A.
Identifiers: ClinVar variation 2641637 (VCV002641637.24), dbSNP rs755219526, ClinGen allele CA379877385.

ClinVar aggregate classification (germline): Uncertain significance (1 of 4 stars; one submission).

Submission:

CeGaT Center for Human Genetics Tuebingen
Classification: Uncertain significance. Last evaluated: 2022-11-01. Review status: criteria provided, single submitter. Criteria: CeGaT Center For Human Genetics Tuebingen Variant Classification Criteria Version 2. Collection method: clinical testing. Allele origin: germline. Affected: yes. Observed: 1 variant allele.
Comment: SOX6: PM2